The following is an entry in ClinVar:

ClinVar aggregate classification (germline): Likely benign. Review status: criteria provided, multiple submitters, no conflicts (2 of 4 stars). 3 submissions from 3 submitters: Likely benign (2). 1 of the submissions does not count toward it. Last evaluated 2024-11-25.

Conditions:
ADAMTS18-related disorder. Also called: ADAMTS18-related condition.

Allele frequency attached by ClinVar (database versions not stated): gnomAD exomes below 0.00001; TOPMed below 0.00001.
gnomAD v4.1: 1 of 1,614,086 alleles (0.000062%); highest among the groups gnomAD compares: Non-Finnish European, 0.000085%; no homozygotes.

Submissions (3):

Blueprint Genetics
Classification: Likely benign. Last evaluated: 2024-11-25. Review status: criteria provided, single submitter. Criteria: ACMG Guidelines, 2015. Collection method: clinical testing. Allele origin: germline.

Labcorp Genetics (formerly Invitae), Labcorp
Classification: Likely benign. Last evaluated: 2022-03-20. Review status: criteria provided, single submitter. Criteria: Invitae Variant Classification Sherloc (09022015). Collection method: clinical testing. Allele origin: germline.

PreventionGenetics, part of Exact Sciences
Classification: Likely benign for ADAMTS18-related condition. Last evaluated: 2019-08-20. Review status: no assertion criteria provided. Collection method: clinical testing. Allele origin: germline. Not counted in ClinVar's aggregate classification.
Comment: This variant is classified as likely benign based on ACMG/AMP sequence variant interpretation guidelines (Richards et al. 2015 PMID: 25741868, with internal and published modifications).

NM_199355.4(ADAMTS18):c.2802-8A>G

Gene: ADAMTS18 (ADAM metallopeptidase with thrombospondin type 1 motif 18; minus strand). Cytogenetic location: 16q23.1.
Variant type: single nucleotide variant.
Coding change: c.2802-8A>G on transcript NM_199355.4 (MANE Select); 8 bases into the intron before coding-DNA position 2802, A replaced by G.
Molecular consequence: intron variant.
Genome position (GRCh38, 1-based): chr16:77,295,135, T>C on the plus strand (A>G on the coding strand, the complement: ADAMTS18 is on the minus strand). VCF-style: chr16-77295135-T-C. GRCh37 (hg19) VCF-style: chr16-77329032-T-C.
Other names: c.2286-8A>G (NM_001326358.2); c.2802-8A>G (NM_199355.3).
Identifiers: ClinVar variation 2114846 (VCV002114846.7), dbSNP rs1338875524, ClinGen allele CA724100851.